The following is an entry in ClinVar:

NM_001146.5(ANGPT1):c.653A>C (p.Asn218Thr)

Gene: ANGPT1 (angiopoietin 1; minus strand). Cytogenetic location: 8q23.1.
Variant type: single nucleotide variant.
Coding change: c.653A>C on transcript NM_001146.5 (MANE Select); coding-DNA position 653, A replaced by C.
Protein change: p.Asn218Thr; replaces asparagine 218 with threonine.
Molecular consequence: missense variant.
Genome position (GRCh38, 1-based): chr8:107,322,051, T>G on the plus strand (A>C on the coding strand, the complement: ANGPT1 is on the minus strand). VCF-style: chr8-107322051-T-G. GRCh37 (hg19) VCF-style: chr8-108334279-T-G.
Other names: c.653A>C, p.Asn218Thr (NM_001199859.3); c.53A>C, p.Asn18Thr (NM_001314051.2); short protein forms N18T, N218T.
Identifiers: ClinVar variation 2829161 (VCV002829161.3), dbSNP rs1402383771, ClinGen allele CA372034149.

ClinVar aggregate classification (germline): Uncertain significance (1 of 4 stars; one submission).

Allele frequency attached by ClinVar (database versions not stated): gnomAD exomes below 0.00001.
gnomAD v4.1: 2 of 1,614,072 alleles (0.00012%); highest among the groups gnomAD compares: Middle Eastern, 0.033%; no homozygotes.

Submission:

Labcorp Genetics (formerly Invitae), Labcorp
Classification: Uncertain significance. Last evaluated: 2023-01-16. Review status: criteria provided, single submitter. Criteria: Invitae Variant Classification Sherloc (09022015). Collection method: clinical testing. Allele origin: germline.
Comment: In summary, the available evidence is currently insufficient to determine the role of this variant in disease. Therefore, it has been classified as a Variant of Uncertain Significance. Algorithms developed to predict the effect of missense changes on protein structure and function output the following: SIFT: "Deleterious"; PolyPhen-2: "Benign"; Align-GVGD: "Class C0". The threonine amino acid residue is found in multiple mammalian species, which suggests that this missense change does not adversely affect protein function. This variant has not been reported in the literature in individuals affected with ANGPT1-related conditions. This variant is present in population databases (no rsID available, gnomAD no frequency). This sequence change replaces asparagine, which is neutral and polar, with threonine, which is neutral and polar, at codon 218 of the ANGPT1 protein (p.Asn218Thr).